The following is an entry in ClinVar:

ClinVar aggregate classification (germline): Benign. Review status: criteria provided, multiple submitters, no conflicts (2 of 4 stars). 6 submissions from 6 submitters: Benign (6). Last evaluated 2026-02-03.

Conditions:
ALG12-congenital disorder of glycosylation (CDG1G). Also called: CDG Ig; Congenital disorder of glycosylation, type Ig; ALG12-CDG. Identifiers: Orphanet 79324, MedGen C2931001, MONDO:0011783, OMIM 607143.

Allele frequency attached by ClinVar (database versions not stated): gnomAD exomes 0.21460; ExAC 0.22372; gnomAD 0.23839 and 0.23971; TOPMed 0.23855; ESP Exome Variant Server 0.25488; 1000 Genomes Project 30x 0.26359; 1000 Genomes Project 0.26558.
gnomAD v4.1: 342,180 of 1,613,118 alleles (21%); highest among the groups gnomAD compares: South Asian, 41%; 39,987 homozygotes.

Submissions (6):

Labcorp Genetics (formerly Invitae), Labcorp
Classification: Benign for ALG12-congenital disorder of glycosylation. Last evaluated: 2026-02-03. Review status: criteria provided, single submitter. Criteria: Invitae Variant Classification Sherloc (09022015). Collection method: clinical testing. Allele origin: germline.

Illumina Laboratory Services, Illumina
Classification: Benign for ALG12-congenital disorder of glycosylation. Last evaluated: 2018-01-13. Review status: criteria provided, single submitter. Criteria: ICSL Variant Classification Criteria 13 December 2019. Collection method: clinical testing. Allele origin: germline.
Comment: This variant was observed in the ICSL laboratory as part of a predisposition screen in an ostensibly healthy population. It had not been previously curated by ICSL or reported in the Human Gene Mutation Database (HGMD: prior to June 1st, 2018), and was therefore a candidate for classification through an automated scoring system. Utilizing variant allele frequency, disease prevalence and penetrance estimates, and inheritance mode, an automated score was calculated to assess if this variant is too frequent to cause the disease. Based on the score and internal cut-off values, a variant classified as benign is not then subjected to further curation. The score for this variant resulted in a classification of benign for this disease.

Mayo Clinic Laboratories, Mayo Clinic
Classification: Benign. Last evaluated: 2017-11-27. Review status: criteria provided, single submitter. Criteria: ACMG Guidelines, 2015. Collection method: clinical testing. Allele origin: germline. Observed: 15 variant alleles.

Eurofins Ntd Llc (ga)
Classification: Benign. Last evaluated: 2012-07-10. Review status: criteria provided, single submitter. Criteria: EGL Classification Definitions 2015. Collection method: clinical testing. Allele origin: germline. Observed: 22 variant alleles, 20 heterozygotes, 2 homozygotes.

Breakthrough Genomics
Classification: Benign. Review status: criteria provided, single submitter. Criteria: ACMG Guidelines, 2015. Collection method: not provided. Allele origin: germline. Inheritance: Autosomal recessive inheritance. Affected: yes.

PreventionGenetics, part of Exact Sciences
Classification: Benign. Review status: criteria provided, single submitter. Criteria: ACMG Guidelines, 2015. Collection method: clinical testing. Allele origin: germline.

NM_024105.4(ALG12):c.664+12A>G

Gene: ALG12 (ALG12 alpha-1,6-mannosyltransferase; minus strand). Cytogenetic location: 22q13.33.
Variant type: single nucleotide variant.
Coding change: c.664+12A>G on transcript NM_024105.4 (MANE Select); 12 bases into the intron after coding-DNA position 664, A replaced by G.
Molecular consequence: intron variant.
Genome position (GRCh38, 1-based): chr22:49,909,882, T>C on the plus strand (A>G on the coding strand, the complement: ALG12 is on the minus strand). VCF-style: chr22-49909882-T-C. GRCh37 (hg19) VCF-style: chr22-50303530-T-C.
Other names: p.?.
Identifiers: ClinVar variation 96098 (VCV000096098.20), dbSNP rs9616204, ClinGen allele CA149238.